The following is an entry in ClinVar:

ClinVar aggregate classification (germline): Uncertain significance (1 of 4 stars; one submission).

Submission:

Ambry Genetics
Classification: Uncertain significance. Last evaluated: 2025-05-23. Review status: criteria provided, single submitter. Criteria: Ambry Variant Classification Scheme 2023. Collection method: clinical testing. Allele origin: germline.
Comment: The p.L209F variant (also known as c.625C>T), located in coding exon 6 of the RAD51B gene, results from a C to T substitution at nucleotide position 625. The leucine at codon 209 is replaced by phenylalanine, an amino acid with highly similar properties. This amino acid position is conserved. In addition, this alteration is predicted to be tolerated by in silico analysis. Based on the available evidence, the clinical significance of this variant remains unclear.

NM_133510.4(RAD51B):c.625C>T (p.Leu209Phe)

Gene: RAD51B (RAD51 paralog B; plus strand). Cytogenetic location: 14q24.1.
Variant type: single nucleotide variant.
Coding change: c.625C>T on transcript NM_133510.4 (MANE Select); coding-DNA position 625, C replaced by T.
Protein change: p.Leu209Phe; replaces leucine 209 with phenylalanine.
Molecular consequence: missense variant.
Genome position (GRCh38, 1-based): chr14:67,887,073, C>T. VCF-style: chr14-67887073-C-T. GRCh37 (hg19) VCF-style: chr14-68353790-C-T.
Other names: c.625C>T, p.Leu209Phe (NM_001321809.2, NM_001321810.2, NM_001321812.1 and 6 more transcripts); c.511C>T, p.Leu171Phe (NM_001321815.1); c.268C>T, p.Leu90Phe (NM_001321817.2); short protein forms L90F, L171F, L209F.
Identifiers: ClinVar variation 3942326 (VCV003942326.1).